The following is an entry in ClinVar:

NM_020066.5(FMN2):c.399C>T (p.Thr133=)

Gene: FMN2 (formin 2; plus strand). Cytogenetic location: 1q43.
Variant type: single nucleotide variant.
Coding change: c.399C>T on transcript NM_020066.5 (MANE Select); coding-DNA position 399, C replaced by T.
Protein change: p.Thr133=; no amino-acid change (threonine 133 retained).
Molecular consequence: synonymous variant.
Genome position (GRCh38, 1-based): chr1:240,092,508, C>T. VCF-style: chr1-240092508-C-T. GRCh37 (hg19) VCF-style: chr1-240255808-C-T.
Other names: c.399C>T, p.Thr133= (NM_001305424.2, NM_001348094.2).
Identifiers: ClinVar variation 1336408 (VCV001336408.12), dbSNP rs375101837, ClinGen allele CA1476155.

ClinVar aggregate classification (germline): Likely benign. Review status: criteria provided, multiple submitters, no conflicts (2 of 4 stars). 3 submissions from 3 submitters: Likely benign (3). Last evaluated 2025-05-01.

Allele frequency attached by ClinVar (database versions not stated): ESP Exome Variant Server 0.00031; gnomAD exomes 0.00031; TOPMed 0.00035; gnomAD 0.00044 and 0.00046.
gnomAD v4.1: 843 of 1,607,722 alleles (0.052%); highest among the groups gnomAD compares: Non-Finnish European, 0.066%; 1 homozygote.

Submissions (3):

CeGaT Center for Human Genetics Tuebingen
Classification: Likely benign. Last evaluated: 2025-05-01. Review status: criteria provided, single submitter. Criteria: CeGaT Center For Human Genetics Tuebingen Variant Classification Criteria Version 2. Collection method: clinical testing. Allele origin: germline. Affected: yes. Observed: 2 variant alleles.
Comment: FMN2: BP4, BP7

Blueprint Genetics
Classification: Likely benign. Last evaluated: 2024-10-01. Review status: criteria provided, single submitter. Criteria: ACMG Guidelines, 2015. Collection method: clinical testing. Allele origin: germline.

Genetic Services Laboratory, University of Chicago
Classification: Likely benign. Last evaluated: 2018-04-25. Review status: criteria provided, single submitter. Criteria: ACMG Guidelines, 2015. Collection method: clinical testing. Allele origin: germline. Affected: no.